The following is an entry in ClinVar:

ClinVar aggregate classification (germline): Benign/Likely benign. Review status: criteria provided, multiple submitters, no conflicts (2 of 4 stars). 2 submissions from 2 submitters: Benign (1); Likely benign (1). Last evaluated 2024-03-01.

Allele frequency attached by ClinVar (database versions not stated): gnomAD 0.00001; TOPMed 0.00002; gnomAD exomes 0.00005; ExAC 0.00012.
gnomAD v4.1: 56 of 1,201,676 alleles (0.0047%); highest among the groups gnomAD compares: South Asian, 0.098%; no homozygotes.

Submissions (2):

CeGaT Center for Human Genetics Tuebingen
Classification: Likely benign. Last evaluated: 2024-03-01. Review status: criteria provided, single submitter. Criteria: CeGaT Center For Human Genetics Tuebingen Variant Classification Criteria Version 2. Collection method: clinical testing. Allele origin: germline. Affected: yes. Observed: 1 variant allele.
Comment: USP9X: BP4, BP7, BS2

Labcorp Genetics (formerly Invitae), Labcorp
Classification: Benign. Last evaluated: 2023-02-14. Review status: criteria provided, single submitter. Criteria: Invitae Variant Classification Sherloc (09022015). Collection method: clinical testing. Allele origin: germline.

NM_001039591.3(USP9X):c.438G>A (p.Arg146=)

Gene: USP9X (ubiquitin specific peptidase 9 X-linked; plus strand). Cytogenetic location: Xp11.4.
Variant type: single nucleotide variant.
Coding change: c.438G>A on transcript NM_001039591.3 (MANE Select); coding-DNA position 438, G replaced by A.
Protein change: p.Arg146=; no amino-acid change (arginine 146 retained).
Molecular consequence: synonymous variant.
Genome position (GRCh38, 1-based): chrX:41,136,806, G>A. VCF-style: chrX-41136806-G-A. GRCh37 (hg19) VCF-style: chrX-40996059-G-A.
Other names: c.438G>A, p.Arg146= (NM_001039590.3, NM_001410748.1, NM_001410749.1).
Identifiers: ClinVar variation 2715073 (VCV002715073.24), dbSNP rs751737129, ClinGen allele CA10388316.